The following is an entry in ClinVar:

NM_002439.5(MSH3):c.1547A>G (p.Glu516Gly)

Gene: MSH3 (mutS homolog 3; plus strand). Cytogenetic location: 5q14.1.
Variant type: single nucleotide variant.
Coding change: c.1547A>G on transcript NM_002439.5 (MANE Select); coding-DNA position 1547, A replaced by G.
Protein change: p.Glu516Gly; replaces glutamic acid 516 with glycine.
Molecular consequence: missense variant.
Genome position (GRCh38, 1-based): chr5:80,728,944, A>G. VCF-style: chr5-80728944-A-G. GRCh37 (hg19) VCF-style: chr5-80024763-A-G.
Other names: short protein forms E516G.
Identifiers: ClinVar variation 2451090 (VCV002451090.2), dbSNP rs761992028, ClinGen allele CA3327950.

ClinVar aggregate classification (germline): Uncertain significance (1 of 4 stars; one submission).

Conditions:
Hereditary cancer-predisposing syndrome. Also called: Neoplastic Syndromes, Hereditary; Tumor predisposition; Hereditary neoplastic syndrome; Hereditary Cancer Syndrome. Identifiers: Orphanet 140162, MedGen C0027672, MeSH D009386, MONDO:0015356.

Allele frequency attached by ClinVar (database versions not stated): gnomAD exomes below 0.00001; ExAC 0.00001.
gnomAD v4.1: 1 of 1,604,058 alleles (0.000062%); highest among the groups gnomAD compares: Non-Finnish European, 0.000085%; no homozygotes.

Submission:

Ambry Genetics
Classification: Uncertain significance for Hereditary cancer-predisposing syndrome. Last evaluated: 2023-03-08. Review status: criteria provided, single submitter. Criteria: Ambry Variant Classification Scheme 2023. Collection method: clinical testing. Allele origin: germline.
Comment: The p.E516G variant (also known as c.1547A>G), located in coding exon 10 of the MSH3 gene, results from an A to G substitution at nucleotide position 1547. The glutamic acid at codon 516 is replaced by glycine, an amino acid with similar properties. This amino acid position is conserved. In addition, the in silico prediction for this alteration is inconclusive. Since supporting evidence is limited at this time, the clinical significance of this alteration remains unclear.